The following is an entry in ClinVar:

NM_145207.3(AFG2A):c.1276A>C (p.Lys426Gln)

Gene: AFG2A (AFG2 AAA ATPase homolog A; plus strand). Cytogenetic location: 4q28.1.
Variant type: single nucleotide variant.
Coding change: c.1276A>C on transcript NM_145207.3 (MANE Select); coding-DNA position 1276, A replaced by C.
Protein change: p.Lys426Gln; replaces lysine 426 with glutamine.
Molecular consequence: missense variant.
Genome position (GRCh38, 1-based): chr4:122,935,842, A>C. VCF-style: chr4-122935842-A-C. GRCh37 (hg19) VCF-style: chr4-123856997-A-C.
Other names: c.1273A>C, p.Lys425Gln (NM_001317799.2, NM_001345856.2); short protein forms K425Q, K426Q.
Identifiers: ClinVar variation 1417858 (VCV001417858.3), dbSNP rs932022828, ClinGen allele CA104814767.

ClinVar aggregate classification (germline): Uncertain significance (1 of 4 stars; one submission).

Conditions:
Microcephaly-intellectual disability-sensorineural hearing loss-epilepsy-abnormal muscle tone syndrome (NEDHSB). Also called: NEURODEVELOPMENTAL DISORDER WITH HEARING LOSS, SEIZURES, AND BRAIN ABNORMALITIES. Identifiers: Orphanet 457351, MedGen C4225276, MONDO:0014698, OMIM 616577.

Allele frequency attached by ClinVar (database versions not stated): gnomAD 0.00001; gnomAD exomes 0.00001; TOPMed 0.00003.
gnomAD v4.1: 9 of 1,604,416 alleles (0.00056%); highest among the groups gnomAD compares: South Asian, 0.0011%; no homozygotes.

Submission:

Labcorp Genetics (formerly Invitae), Labcorp
Classification: Uncertain significance for Microcephaly-intellectual disability-sensorineural hearing loss-epilepsy-abnormal muscle tone syndrome. Last evaluated: 2022-06-13. Review status: criteria provided, single submitter. Criteria: Invitae Variant Classification Sherloc (09022015). Collection method: clinical testing. Allele origin: germline.
Comment: This sequence change replaces lysine, which is basic and polar, with glutamine, which is neutral and polar, at codon 426 of the SPATA5 protein (p.Lys426Gln). This variant is present in population databases (no rsID available, gnomAD 0.002%). This variant has not been reported in the literature in individuals affected with SPATA5-related conditions. Algorithms developed to predict the effect of missense changes on protein structure and function are either unavailable or do not agree on the potential impact of this missense change (SIFT: "Deleterious"; PolyPhen-2: "Benign"; Align-GVGD: "Class C45"). In summary, the available evidence is currently insufficient to determine the role of this variant in disease. Therefore, it has been classified as a Variant of Uncertain Significance.